The following is an entry in ClinVar:

ClinVar aggregate classification (germline): Conflicting classifications of pathogenicity. Review status: criteria provided, conflicting classifications (1 of 4 stars). 5 submissions from 5 submitters: Uncertain significance (1); Likely benign (3). 1 of the submissions does not count toward it. Last evaluated 2026-01-19.

Conditions:
Ethylmalonic encephalopathy (EE). Also called: Syndrome of encephalopathy, petechiae, and ethylmalonic aciduria; EPEMA syndrome; Encephalopathy, petechiae, and ethylmalonic aciduria. Identifiers: Orphanet 51188, MedGen C1865349, MONDO:0011229, OMIM 602473. Disease mechanism: loss of function.

Allele frequency attached by ClinVar (database versions not stated): gnomAD 0.00001 and 0.00003; TOPMed 0.00001; gnomAD exomes 0.00009 and 0.00023; 1000 Genomes Project 0.00020; ExAC 0.00030; 1000 Genomes Project 30x 0.00031.
gnomAD v4.1: 143 of 1,614,184 alleles (0.0089%); highest among the groups gnomAD compares: South Asian, 0.15%; 1 homozygote.

Submissions (5):

Labcorp Genetics (formerly Invitae), Labcorp
Classification: Likely benign for Ethylmalonic encephalopathy. Last evaluated: 2026-01-19. Review status: criteria provided, single submitter. Criteria: Invitae Variant Classification Sherloc (09022015). Collection method: clinical testing. Allele origin: germline.

CeGaT Center for Human Genetics Tuebingen
Classification: Likely benign. Last evaluated: 2024-05-01. Review status: criteria provided, single submitter. Criteria: CeGaT Center For Human Genetics Tuebingen Variant Classification Criteria Version 2. Collection method: clinical testing. Allele origin: germline. Affected: yes. Observed: 2 variant alleles.
Comment: ETHE1: BP4, BP7

Blueprint Genetics
Classification: Likely benign. Last evaluated: 2023-07-21. Review status: criteria provided, single submitter. Criteria: ACMG Guidelines, 2015. Collection method: clinical testing. Allele origin: germline.

Illumina Laboratory Services, Illumina
Classification: Uncertain significance for Ethylmalonic encephalopathy. Last evaluated: 2017-04-27. Review status: criteria provided, single submitter. Criteria: ICSL Variant Classification Criteria 13 December 2019. Collection method: clinical testing. Allele origin: germline.

Natera, Inc.
Classification: Uncertain significance for Ethylmalonic encephalopathy. Last evaluated: 2020-01-24. Review status: no assertion criteria provided. Collection method: clinical testing. Allele origin: germline. Not counted in ClinVar's aggregate classification.

NM_014297.5(ETHE1):c.489G>A (p.Arg163=)

Gene: ETHE1 (ETHE1 persulfide dioxygenase; minus strand). Cytogenetic location: 19q13.31.
Variant type: single nucleotide variant.
Coding change: c.489G>A on transcript NM_014297.5 (MANE Select); coding-DNA position 489, G replaced by A.
Protein change: p.Arg163=; no amino-acid change (arginine 163 retained).
Molecular consequence: synonymous variant.
Genome position (GRCh38, 1-based): chr19:43,511,453, C>T on the plus strand (G>A on the coding strand, the complement: ETHE1 is on the minus strand). VCF-style: chr19-43511453-C-T. GRCh37 (hg19) VCF-style: chr19-44015605-C-T.
Other names: c.456G>A, p.Arg152= (NM_001320867.2); c.120G>A, p.Arg40= (NM_001320868.2); c.195G>A, p.Arg65= (NM_001320869.2).
Identifiers: ClinVar variation 765706 (VCV000765706.39), dbSNP rs533076307, ClinGen allele CA9487849.